The following is an entry in ClinVar:

NM_198859.4(PRICKLE2):c.1681G>A (p.Ala561Thr)

Genes: PRICKLE2 (prickle planar cell polarity protein 2; minus strand), PRICKLE2-AS1 (PRICKLE2 antisense RNA 1; plus strand). Cytogenetic location: 3p14.1.
Variant type: single nucleotide variant.
Coding change: c.1681G>A on transcript NM_198859.4 (MANE Select); coding-DNA position 1681, G replaced by A.
Protein change: p.Ala561Thr; replaces alanine 561 with threonine.
Molecular consequence: missense variant. On other transcripts: non-coding transcript variant (1).
Genome position (GRCh38, 1-based): chr3:64,099,905, C>T on the plus strand (G>A on the coding strand, the complement: PRICKLE2 is on the minus strand). VCF-style: chr3-64099905-C-T. GRCh37 (hg19) VCF-style: chr3-64085581-C-T.
Other names: c.1681G>A, p.Ala561Thr (NM_001370528.1); short protein forms A561T.
Identifiers: ClinVar variation 2198532 (VCV002198532.4), dbSNP rs1225130013, ClinGen allele CA353428398.

ClinVar aggregate classification (germline): Uncertain significance (1 of 4 stars; one submission).

Conditions:
Progressive myoclonic epilepsy type 5. Identifiers: Orphanet 402082, MedGen C5190799.

Allele frequency attached by ClinVar (database versions not stated): gnomAD exomes below 0.00001; gnomAD 0.00001; TOPMed 0.00002.
gnomAD v4.1: 4 of 1,614,072 alleles (0.00025%); highest among the groups gnomAD compares: African/African-American, 0.004%; no homozygotes.

Submission:

Labcorp Genetics (formerly Invitae), Labcorp
Classification: Uncertain significance for Progressive myoclonic epilepsy type 5. Last evaluated: 2022-10-17. Review status: criteria provided, single submitter. Criteria: Invitae Variant Classification Sherloc (09022015). Collection method: clinical testing. Allele origin: germline.
Comment: In summary, the available evidence is currently insufficient to determine the role of this variant in disease. Therefore, it has been classified as a Variant of Uncertain Significance. Algorithms developed to predict the effect of missense changes on protein structure and function (SIFT, PolyPhen-2, Align-GVGD) all suggest that this variant is likely to be tolerated. This variant has not been reported in the literature in individuals affected with PRICKLE2-related conditions. This variant is not present in population databases (gnomAD no frequency). This sequence change replaces alanine, which is neutral and non-polar, with threonine, which is neutral and polar, at codon 561 of the PRICKLE2 protein (p.Ala561Thr).